The following is an entry in ClinVar:

NM_001195553.2(DCX):c.353_356dup (p.Glu120fs)

Gene: DCX (doublecortin; minus strand). Cytogenetic location: Xq23.
Variant type: Duplication.
Coding change: c.353_356dup on transcript NM_001195553.2 (MANE Select); coding-DNA positions 353 to 356, 4 bases duplicated (AACT; older notation c.353_356dupAACT).
Protein change: p.Glu120fs; shifts the reading frame from glutamic acid 120.
Molecular consequence: frameshift variant.
Genome position (GRCh38, 1-based): chrX:111,410,043-111,410,046, AGTT duplicated on the plus strand (AACT on the coding strand, the reverse complement: DCX is on the minus strand). VCF-style (leftmost placement, unchanged base first): chrX-111410042-C-CAGTT. GRCh37 (hg19) VCF-style: chrX-110653270-C-CAGTT.
Other names: c.596_599dup, p.Glu201fs (NM_000555.3); c.353_356dup, p.Glu120fs (NM_001369370.1, NM_001369371.1, NM_001369372.1 and 6 more transcripts); short protein forms E120fs, E201fs.
Identifiers: ClinVar variation 3657469 (VCV003657469.2).
Genomic context (GRCh38, chrX:111,410,042, plus strand): 5'-ATAACCAATGATGCCACCTCCCACCAACGGCCACCACCCACTATTTAAATTACCTTCCTC[C>CAGTT]AGTTCATCCATGCTTCCGATCTTCCTGGATCCATCAATGGTGTAAATGTAACGCACTCCC-3'

ClinVar aggregate classification (germline): Pathogenic (1 of 4 stars; one submission).

Submission:

Labcorp Genetics (formerly Invitae), Labcorp
Classification: Pathogenic. Last evaluated: 2024-06-22. Review status: criteria provided, single submitter. Criteria: Invitae Variant Classification Sherloc (09022015). Collection method: clinical testing. Allele origin: germline.
Comment: This sequence change creates a premature translational stop signal (p.Glu120Thrfs*16) in the DCX gene. It is expected to result in an absent or disrupted protein product. Loss-of-function variants in DCX are known to be pathogenic (PMID: 11175293, 23365099). This variant is not present in population databases (gnomAD no frequency). This variant has not been reported in the literature in individuals affected with DCX-related conditions. For these reasons, this variant has been classified as Pathogenic.

Literature cited by the submitters: PubMed 11175293; PubMed 23365099.